The following is an entry in ClinVar:

ClinVar aggregate classification (germline): Likely pathogenic. Review status: reviewed by expert panel (3 of 4 stars). 3 submissions from 3 submitters: Likely pathogenic (1). 2 of the submissions do not count toward it. Last evaluated 2026-09-01.

Conditions:
DICER1-related tumor predisposition. Also called: DICER1 syndrome; DICER1-related pleuropulmonary blastoma cancer predisposition syndrome. Identifiers: Orphanet 284343, MedGen C3839822, MONDO:0100216.

Submissions (3):

ClinGen DICER1 and miRNA-Processing Gene Variant Curation Expert Panel, ClinGen
Classification: Likely pathogenic for DICER1-related tumor predisposition. Last evaluated: 2026-09-01. Review status: reviewed by expert panel. Criteria: ClinGen DICER1 and miRNA-Processing Gene Expert Panel Specifications to the ACMG/AMP Variant Interpretation Guidelines for DICER1 Version 1.4. Collection method: curation. Allele origin: germline. Inheritance: Autosomal dominant inheritance.
Comment: The NM_177438.3:c.238G>T (p.Glu80Ter) variant in DICER1 is a nonsense variant predicted to cause a premature stop codon in biologically-relevant exon 3/27, leading to nonsense-mediated decay in a gene in which loss-of-function is an established disease mechanism (PVS1). Although this variant has been observed in an individual with thyroid nodules undergoing genetic sequencing, to our knowledge, this variant has not been reported in individuals with phenotypes highly specific to DICER1-related tumor predisposition (PS4 not met; Internal lab contributor). This variant is absent from gnomAD v4.1.1 (PM2_Supporting). In summary, this variant meets the criteria to be classified as Likely Pathogenic for DICER1-related tumor predisposition based on the ACMG/AMP criteria applied, as specified by the ClinGen DICER1 VCEP: PVS1, PM2_supporting. (VCEP specifications version 1.4.0) Based on Tavtigian et al 2020 (PMID:32720330), the total points applied = 9, which equates to a classification of LP.

Labcorp Genetics (formerly Invitae), Labcorp
Classification: Pathogenic for DICER1-related tumor predisposition. Last evaluated: 2022-07-14. Review status: criteria provided, single submitter. Criteria: Invitae Variant Classification Sherloc (09022015). Collection method: clinical testing. Allele origin: germline. Not counted in ClinVar's aggregate classification.
Comment: ClinVar contains an entry for this variant (Variation ID: 649946). This variant has not been reported in the literature in individuals affected with DICER1-related conditions. This variant is not present in population databases (gnomAD no frequency). This sequence change creates a premature translational stop signal (p.Glu80*) in the DICER1 gene. It is expected to result in an absent or disrupted protein product. Loss-of-function variants in DICER1 are known to be pathogenic (PMID: 19556464, 21266384). For these reasons, this variant has been classified as Pathogenic.

PreventionGenetics, part of Exact Sciences
Classification: Likely pathogenic. Last evaluated: 2021-03-11. Review status: criteria provided, single submitter. Criteria: ACMG Guidelines, 2015. Collection method: clinical testing. Allele origin: germline. Not counted in ClinVar's aggregate classification.

Literature cited by the submitters: PubMed 19556464 (cited by Labcorp Genetics (formerly Invitae), Labcorp); PubMed 21266384 (cited by Labcorp Genetics (formerly Invitae), Labcorp).

NM_177438.3(DICER1):c.238G>T (p.Glu80Ter)

Gene: DICER1 (dicer 1, ribonuclease III; minus strand). Cytogenetic location: 14q32.13.
Variant type: single nucleotide variant.
Coding change: c.238G>T on transcript NM_177438.3 (MANE Select); coding-DNA position 238, G replaced by T.
Protein change: p.Glu80Ter; replaces glutamic acid 80 with a stop codon.
Molecular consequence: nonsense.
Genome position (GRCh38, 1-based): chr14:95,132,584, C>A on the plus strand (G>T on the coding strand, the complement: DICER1 is on the minus strand). VCF-style: chr14-95132584-C-A. GRCh37 (hg19) VCF-style: chr14-95598921-C-A.
Other names: NM_030621.4(DICER1):c.238G>T; p.Glu80Ter; NM_177438.3(DICER1):c.238G>T; c.238G>T, p.Glu80Ter (NM_001195573.1, NM_001271282.3, NM_001291628.2 and 1 more transcripts); short protein forms E80*.
Identifiers: ClinVar variation 649946 (VCV000649946.13), dbSNP rs1595466234, ClinGen allele CA390889868.